The following is an entry in ClinVar:

ClinVar aggregate classification (germline): Likely pathogenic. Review status: criteria provided, single submitter (1 of 4 stars). 2 submissions from 2 submitters: Likely pathogenic (1). 1 of the submissions does not count toward it. Last evaluated 2023-03-23.

Conditions:
Seizures-scoliosis-macrocephaly syndrome. Also called: SEIZURES, SCOLIOSIS, AND MACROCEPHALY/MICROCEPHALY SYNDROME; Seizures, scoliosis, and macrocephaly syndrome. Identifiers: Orphanet 466926, MedGen C4225248, MONDO:0014731, OMIM 616682.
Exostoses, multiple, type 2 (EXT2). Also called: EXOSTOSES, MULTIPLE, TYPE II; Hereditary Multiple Osteochondromatosis, Type II. Identifiers: Orphanet 321, MedGen C1851413, MONDO:0007586, OMIM 133701.

Allele frequency attached by ClinVar (database versions not stated): gnomAD below 0.00001 and 0.00001.
gnomAD v4.1: 1 of 1,613,990 alleles (0.000062%); highest among the groups gnomAD compares: South Asian, 0.0011%; no homozygotes.

Submissions (2):

Labcorp Genetics (formerly Invitae), Labcorp
Classification: Likely pathogenic for Exostoses, multiple, type 2. Last evaluated: 2023-03-23. Review status: criteria provided, single submitter. Criteria: Invitae Variant Classification Sherloc (09022015). Collection method: clinical testing. Allele origin: germline.
Comment: Advanced modeling of protein sequence and biophysical properties (such as structural, functional, and spatial information, amino acid conservation, physicochemical variation, residue mobility, and thermodynamic stability) performed at Invitae indicates that this missense variant is expected to disrupt EXT2 protein function. ClinVar contains an entry for this variant (Variation ID: 638619). This missense change has been observed in individual(s) with autosomal recessive EXT2-related conditions (PMID: 30288735). In at least one individual the data is consistent with being in trans (on the opposite chromosome) from a pathogenic variant. It has also been observed to segregate with disease in related individuals. This variant is not present in population databases (gnomAD no frequency). This sequence change replaces tyrosine, which is neutral and polar, with cysteine, which is neutral and slightly polar, at codon 608 of the EXT2 protein (p.Tyr608Cys). In summary, the currently available evidence indicates that the variant is pathogenic, but additional data are needed to prove that conclusively. Therefore, this variant has been classified as Likely Pathogenic.

OMIM
Classification: Pathogenic for SEIZURES, SCOLIOSIS, AND MACROCEPHALY SYNDROME. Last evaluated: 2019-08-02. Review status: no assertion criteria provided. Collection method: literature only. Allele origin: germline. Not counted in ClinVar's aggregate classification.

Literature cited by the submitters: PubMed 30288735 (cited by Labcorp Genetics (formerly Invitae), Labcorp and OMIM).

NM_207122.2(EXT2):c.1823A>G (p.Tyr608Cys)

Gene: EXT2 (exostosin glycosyltransferase 2; plus strand). Cytogenetic location: 11p11.2.
Variant type: single nucleotide variant.
Coding change: c.1823A>G on transcript NM_207122.2 (MANE Select); coding-DNA position 1823, A replaced by G.
Protein change: p.Tyr608Cys; replaces tyrosine 608 with cysteine.
Molecular consequence: missense variant.
Genome position (GRCh38, 1-based): chr11:44,234,131, A>G. VCF-style: chr11-44234131-A-G. GRCh37 (hg19) VCF-style: chr11-44255681-A-G.
Other names: c.1922A>G, p.Tyr641Cys (NM_000401.3); c.1853A>G, p.Tyr618Cys (NM_001178083.3); c.1823A>G, p.Tyr608Cys (NM_001389628.1, NM_001389630.1); short protein forms Y608C, Y641C, Y618C.
Identifiers: ClinVar variation 638619 (VCV000638619.6), dbSNP rs1590667793, ClinGen allele CA380183186.